The following is an entry in ClinVar:

ClinVar aggregate classification (germline): Conflicting classifications of pathogenicity. Review status: criteria provided, conflicting classifications (1 of 4 stars). 3 submissions from 3 submitters: Likely pathogenic (1); Uncertain significance (2). Last evaluated 2025-05-27.

Conditions:
Retinitis pigmentosa 67 (RP67). Identifiers: Orphanet 791, MedGen C3809954, MONDO:0014256, OMIM 615565.

Submissions (3):

Variantyx, Inc.
Classification: Likely pathogenic for Retinitis pigmentosa 67. Last evaluated: 2025-05-27. Review status: criteria provided, single submitter. Criteria: Variantyx Assertion Criteria 2022. Collection method: clinical testing. Allele origin: germline. Inheritance: Autosomal recessive inheritance.
Comment: This is a frameshift variant in the NEK2 gene (OMIM: 604043). Pathogenic variants in this gene have been associated with autosomal recessive retinitis pigmentosa 67 (provisional association). This variant introduces a premature termination codon in exon 6 out of 8 and is expected to result in loss of function, which is a known disease mechanism for NEK2 in this disorder (PMID:24043777)(PVS1). This variant has a 0.0003% maximum allele frequency in non-founder control populations (PM2). Based on the current evidence, this variant is classified as likely pathogenic for autosomal recessive retinitis pigmentosa 67 (provisional association).

Labcorp Genetics (formerly Invitae), Labcorp
Classification: Uncertain significance. Last evaluated: 2024-01-17. Review status: criteria provided, single submitter. Criteria: Invitae Variant Classification Sherloc (09022015). Collection method: clinical testing. Allele origin: germline.
Comment: This sequence change creates a premature translational stop signal (p.Asn268Thrfs*3) in the NEK2 gene. It is expected to result in an absent or disrupted protein product. However, the current clinical and genetic evidence is not sufficient to establish whether loss-of-function variants in NEK2 cause disease. This variant is not present in population databases (gnomAD no frequency). This variant has not been reported in the literature in individuals affected with NEK2-related conditions. ClinVar contains an entry for this variant (Variation ID: 1961655). In summary, the available evidence is currently insufficient to determine the role of this variant in disease. Therefore, it has been classified as a Variant of Uncertain Significance.

Blueprint Genetics
Classification: Uncertain significance. Last evaluated: 2018-07-19. Review status: criteria provided, single submitter. Criteria: ACMG Guidelines, 2015. Collection method: clinical testing. Allele origin: germline.

Literature cited by the submitters: PubMed 24043777 (cited by Variantyx, Inc.).

NM_002497.4(NEK2):c.803del (p.Asn268fs)

Gene: NEK2 (NIMA related kinase 2; minus strand). Cytogenetic location: 1q32.3.
Variant type: Deletion.
Coding change: c.803del on transcript NM_002497.4 (MANE Select); coding-DNA position 803, one base deleted (A; older notation c.803delA).
Protein change: p.Asn268fs; shifts the reading frame from asparagine 268.
Molecular consequence: frameshift variant.
Genome position (GRCh38, 1-based): chr1:211,669,295, T deleted on the plus strand (A on the coding strand, the reverse complement: NEK2 is on the minus strand); the first of 2 consecutive T bases (chr1:211,669,295-211,669,296); deleting either gives the same sequence. VCF-style (leftmost placement, unchanged base first): chr1-211669294-GT-G. GRCh37 (hg19) VCF-style: chr1-211842636-GT-G.
Other names: c.803del, p.Asn268fs (NM_001204182.2, NM_001204183.2); short protein forms N268fs.
Identifiers: ClinVar variation 1961655 (VCV001961655.6), dbSNP rs1413675151, ClinGen allele CA730980961.